The following is an entry in ClinVar:

ClinVar aggregate classification (germline): Conflicting classifications of pathogenicity. Review status: criteria provided, conflicting classifications (1 of 4 stars). 3 submissions from 3 submitters: Uncertain significance (1); Likely benign (2). Last evaluated 2026-01-06.

Conditions:
SON-related disorder. Also called: SON-related condition.
Inborn genetic diseases. Identifiers: MedGen C0950123, MeSH D030342.

Submissions (3):

Labcorp Genetics (formerly Invitae), Labcorp
Classification: Likely benign. Last evaluated: 2026-01-06. Review status: criteria provided, single submitter. Criteria: Invitae Variant Classification Sherloc (09022015). Collection method: clinical testing. Allele origin: germline.

PreventionGenetics, part of Exact Sciences
Classification: Uncertain significance for SON-related condition. Last evaluated: 2025-02-06. Review status: criteria provided, single submitter. Criteria: ACMG Guidelines, 2015. Collection method: clinical testing. Allele origin: germline.
Comment: The SON c.5931_5951dup21 variant is predicted to result in an in-frame duplication (p.Ser1992_Arg1998dup). To our knowledge, this variant has not been reported in the literature or in a large population database (gnomAD), indicating this variant is rare. At this time, the clinical significance of this variant is uncertain due to the absence of conclusive functional and genetic evidence.

Ambry Genetics
Classification: Likely benign for Inborn genetic diseases. Last evaluated: 2022-07-05. Review status: criteria provided, single submitter. Criteria: Ambry Variant Classification Scheme 2023. Collection method: clinical testing. Allele origin: germline.

NM_138927.4(SON):c.5868CAGCCGCACCCCCAGCCGCCG[5] (p.Arg1998_Arg1999insSerArgThrProSerArgArg)

Gene: SON (SON DNA and RNA binding protein; plus strand). Cytogenetic location: 21q22.11.
Variant type: Microsatellite.
Coding change: c.5868CAGCCGCACCCCCAGCCGCCG[5] on transcript NM_138927.4 (MANE Select); five copies in a row of the 21-base unit CAGCCGCACCCCCAGCCGCCG starting at c.5868; the reference has four copies in a row; one copy, 21 bases duplicated.
Protein change: p.Arg1998_Arg1999insSerArgThrProSerArgArg.
Molecular consequence: inframe insertion. On other transcripts: inframe indel (3), non-coding transcript variant (1), intron variant (1).
Genome position (GRCh38, 1-based): chr21:33,555,162-33,555,182, CAGCCGCACCCCCAGCCGCCG duplicated; duplicating any 21 consecutive bases within chr21:33,555,091-33,555,182 gives the same sequence; the position shown is the placement nearest the transcript's 3' end. VCF-style (leftmost placement, unchanged base first): chr21-33555090-A-AAGCCGCCGCAGCCGCACCCCC. GRCh37 (hg19) VCF-style: chr21-34927396-A-AAGCCGCCGCAGCCGCACCCCC.
Other names: c.5868CAGCCGCACCCCCAGCCGCCG[5], p.Arg1998_Arg1999insSerArgThrProSerArgArg (NM_001291411.2, NM_032195.3); c.5868_5888CAGCCGCACCCCCAGCCGCCG[5], p.Arg1998_Arg1999insSerArgThrProSerArgArg (NM_001412133.1, NM_058183.2, NM_138926.1); c.245-2065AGCCGCCGCAGCCGCACCCCC[5] (NM_001291412.3); c.5931_5951dup21 (NM_138927.2).
Identifiers: ClinVar variation 2074993 (VCV002074993.6), dbSNP rs1462103775, ClinGen allele CA1021934046.